The following is an entry in ClinVar:

NM_013275.6(ANKRD11):c.6272A>C (p.Gln2091Pro)

Gene: ANKRD11 (ankyrin repeat domain 11; minus strand). Cytogenetic location: 16q24.3.
Variant type: single nucleotide variant.
Coding change: c.6272A>C on transcript NM_013275.6 (MANE Select); coding-DNA position 6272, A replaced by C.
Protein change: p.Gln2091Pro; replaces glutamine 2091 with proline.
Molecular consequence: missense variant.
Genome position (GRCh38, 1-based): chr16:89,280,270, T>G on the plus strand (A>C on the coding strand, the complement: ANKRD11 is on the minus strand). VCF-style: chr16-89280270-T-G. GRCh37 (hg19) VCF-style: chr16-89346678-T-G.
Other names: c.6272A>C, p.Gln2091Pro (NM_001256182.2, NM_001256183.2); short protein forms Q2091P.
Identifiers: ClinVar variation 4802789 (VCV004802789.1).

ClinVar aggregate classification (germline): Uncertain significance (1 of 4 stars; one submission).

Conditions:
KBG syndrome (KBGS). Also called: ANKRD11-Related KBG Syndrome. Identifiers: Orphanet 2332, MedGen C0220687, MONDO:0007846, OMIM 148050.

Submission:

Labcorp Genetics (formerly Invitae), Labcorp
Classification: Uncertain significance for KBG syndrome. Last evaluated: 2025-06-15. Review status: criteria provided, single submitter. Criteria: Invitae Variant Classification Sherloc (09022015). Collection method: clinical testing. Allele origin: germline.
Comment: This sequence change replaces glutamine, which is neutral and polar, with proline, which is neutral and non-polar, at codon 2091 of the ANKRD11 protein (p.Gln2091Pro). This variant is not present in population databases (gnomAD no frequency). This variant has not been reported in the literature in individuals affected with ANKRD11-related conditions. Invitae Evidence Modeling of protein sequence and biophysical properties (such as structural, functional, and spatial information, amino acid conservation, physicochemical variation, residue mobility, and thermodynamic stability) indicates that this missense variant is not expected to disrupt ANKRD11 protein function with a negative predictive value of 95%. In summary, the available evidence is currently insufficient to determine the role of this variant in disease. Therefore, it has been classified as a Variant of Uncertain Significance.